The following is an entry in ClinVar:

NM_007294.4(BRCA1):c.351T>A (p.His117Gln)

Gene: BRCA1 (BRCA1 DNA repair associated; minus strand). Cytogenetic location: 17q21.31.
Variant type: single nucleotide variant.
Coding change: c.351T>A on transcript NM_007294.4 (MANE Select); coding-DNA position 351, T replaced by A.
Protein change: p.His117Gln; replaces histidine 117 with glutamine.
Molecular consequence: missense variant. On other transcripts: non-coding transcript variant (1).
Genome position (GRCh38, 1-based): chr17:43,104,212, A>T on the plus strand (T>A on the coding strand, the complement: BRCA1 is on the minus strand). VCF-style: chr17-43104212-A-T. GRCh37 (hg19) VCF-style: chr17-41256229-A-T.
Other names: c.141T>A, p.His47Gln (NM_001407571.1, NM_001407853.1, NM_001407879.1 and 58 more transcripts); c.351T>A, p.His117Gln (NM_001407581.1, NM_001407582.1, NM_001407583.1 and 165 more transcripts); c.342T>A, p.His114Gln (NM_001407646.1, NM_001407647.1, NM_001408408.1); c.273T>A, p.His91Gln (NM_001407653.1, NM_001407654.1, NM_001407655.1 and 21 more transcripts); c.210T>A, p.His70Gln (NM_001407692.1, NM_001407694.1, NM_001407695.1 and 99 more transcripts); c.-31T>A (NM_001407959.1, NM_001407960.1, NM_001407962.1 and 4 more transcripts); c.219T>A, p.His73Gln (NM_001408451.1); short protein forms H117Q, H70Q, H114Q, H47Q, H73Q, H91Q.
Identifiers: ClinVar variation 1697608 (VCV001697608.10), dbSNP rs2154549630, ClinGen allele CA10601443.
Genomic context (GRCh38, chr17:43,104,212, plus strand): 5'-AAGTCTTTTGGCACGGTTTCTGTAGCCCATACTTTGGATGATAGAAACTTCATCTTTTAG[A>T]TGTTCAGGAGAGTTATTTTCCTTTTTTGCAAAATTATAGCTGTTTGCATCTGTAAAATAC-3'
Protein context (NP_009225.1, residues 107-127): FAKKENNSPE[His117Gln]LKDEVSIIQS

ClinVar aggregate classification (germline): Uncertain significance. Review status: criteria provided, multiple submitters, no conflicts (2 of 4 stars). 2 submissions from 2 submitters: Uncertain significance (2). Last evaluated 2025-03-04.

Conditions:
Hereditary breast ovarian cancer syndrome. Also called: Hereditary breast and ovarian cancer syndrome; Breast and ovarian cancer; Hereditary breast and ovarian cancer; Hereditary breast and/or ovarian cancer syndrome; Hereditary breast and ovarian cancer syndrome (HBOC); BRCA1- and BRCA2-Associated Hereditary Breast and Ovarian Cancer. Identifiers: Orphanet 145, MedGen C0677776, MeSH D061325, MONDO:0003582. Disease mechanism: loss of function.

gnomAD v4.1: 1 of 1,613,288 alleles (0.000062%); highest among the groups gnomAD compares: South Asian, 0.0011%; no homozygotes.

Submissions (2):

Center for Genomic Medicine, Rigshospitalet, Copenhagen University Hospital
Classification: Uncertain significance. Last evaluated: 2025-03-04. Review status: criteria provided, single submitter. Criteria: ACMG Guidelines, 2015. Collection method: clinical testing. Allele origin: germline.

Labcorp Genetics (formerly Invitae), Labcorp
Classification: Uncertain significance for Hereditary breast ovarian cancer syndrome. Last evaluated: 2023-09-03. Review status: criteria provided, single submitter. Criteria: Invitae Variant Classification Sherloc (09022015). Collection method: clinical testing. Allele origin: germline.
Comment: Advanced modeling of protein sequence and biophysical properties (such as structural, functional, and spatial information, amino acid conservation, physicochemical variation, residue mobility, and thermodynamic stability) performed at Invitae indicates that this missense variant is not expected to disrupt BRCA1 protein function. ClinVar contains an entry for this variant (Variation ID: 1697608). This variant has not been reported in the literature in individuals affected with BRCA1-related conditions. This variant is not present in population databases (gnomAD no frequency). This sequence change replaces histidine, which is basic and polar, with glutamine, which is neutral and polar, at codon 117 of the BRCA1 protein (p.His117Gln). In summary, the available evidence is currently insufficient to determine the role of this variant in disease. Therefore, it has been classified as a Variant of Uncertain Significance.